The following is an entry in ClinVar:

ClinVar aggregate classification (germline): Likely benign. Review status: criteria provided, multiple submitters, no conflicts (2 of 4 stars). 2 submissions from 2 submitters: Likely benign (2). Last evaluated 2024-04-18.

Conditions:
Ataxia-telangiectasia syndrome (AT). Also called: ATAXIA-TELANGIECTASIA, FRESNO VARIANT; AT, COMPLEMENTATION GROUP C; LOUIS-BAR SYNDROME; Ataxia telangiectasia (A-T); Cerebello-oculocutaneous telangiectasia; Immunodeficiency with ataxia telangiectasia. Identifiers: Orphanet 100, MedGen C0004135, MONDO:0008840, OMIM 208900.
Familial cancer of breast. Also called: hereditary breast carcinoma; Hereditary breast cancer; BREAST CANCER, FAMILIAL. Identifiers: Orphanet 227535, MedGen C0346153, MONDO:0016419, OMIM 114480. Disease mechanism: loss of function.

Allele frequency attached by ClinVar (database versions not stated): gnomAD 0.00001.
gnomAD v4.1: 1 of 1,608,362 alleles (0.000062%); highest among the groups gnomAD compares: Non-Finnish European, 0.000085%; no homozygotes.

Submissions (2):

Myriad Genetics, Inc.
Classification: Likely benign for Familial cancer of breast. Last evaluated: 2024-04-18. Review status: criteria provided, single submitter. Criteria: Myriad Autosomal Dominant, Autosomal Recessive and X-Linked Classification Criteria (2023). Collection method: clinical testing. Allele origin: unknown.
Comment: This variant is considered likely benign. This variant is intronic and is not expected to impact mRNA splicing.

Labcorp Genetics (formerly Invitae), Labcorp
Classification: Likely benign for Ataxia-telangiectasia syndrome. Last evaluated: 2021-09-25. Review status: criteria provided, single submitter. Criteria: Invitae Variant Classification Sherloc (09022015). Collection method: clinical testing. Allele origin: germline.

NM_000051.4(ATM):c.186-8T>C

Gene: ATM (ATM serine/threonine kinase; plus strand). Cytogenetic location: 11q22.3.
Variant type: single nucleotide variant.
Coding change: c.186-8T>C on transcript NM_000051.4 (MANE Select); 8 bases into the intron before coding-DNA position 186, T replaced by C.
Molecular consequence: intron variant.
Genome position (GRCh38, 1-based): chr11:108,229,170, T>C. VCF-style: chr11-108229170-T-C. GRCh37 (hg19) VCF-style: chr11-108099897-T-C.
Other names: c.186-8T>C (NM_001351834.2, NM_001351835.2, NM_001351836.2).
Identifiers: ClinVar variation 1606724 (VCV001606724.9), dbSNP rs1355404740, ClinGen allele CA601693948.